The following is an entry in ClinVar:

NM_001009944.3(PKD1):c.9202-16G>A

Genes: MIR6511B1 (microRNA 6511b-1; minus strand), PKD1 (polycystin 1, transient receptor potential channel interacting; minus strand). Cytogenetic location: 16p13.3.
Variant type: single nucleotide variant.
Coding change: c.9202-16G>A on transcript NM_001009944.3 (MANE Select); 16 bases into the intron before coding-DNA position 9202, G replaced by A.
Molecular consequence: intron variant.
Genome position (GRCh38, 1-based): chr16:2,102,272, C>T on the plus strand (G>A on the coding strand, the complement: PKD1 is on the minus strand). VCF-style: chr16-2102272-C-T. GRCh37 (hg19) VCF-style: chr16-2152273-C-T.
Other names: c.9202-16G>A (NM_000296.4).
Identifiers: ClinVar variation 930406 (VCV000930406.24), dbSNP rs1389523126, ClinGen allele CA620705526.

ClinVar aggregate classification (germline): Pathogenic/Likely pathogenic. Review status: criteria provided, multiple submitters, no conflicts (2 of 4 stars). 14 submissions from 14 submitters: Pathogenic (4); Likely pathogenic (9). 1 of the submissions does not count toward it. Last evaluated 2026-03-17.

Conditions:
PKD1-related disorder. Also called: PKD1-related condition.
Autosomal dominant polycystic kidney disease. Identifiers: Orphanet 730, MedGen C0085413, MONDO:0004691.
Polycystic kidney disease, adult type (PKD1). Also called: Polycystic Kidney Disease 1, Autosomal Dominant; Polycystic kidney disease 1; POLYCYSTIC KIDNEY DISEASE, ADULT, TYPE I; Polycystic Kidney, Autosomal Dominant; Polycystic kidney disease 1, severe; POLYCYSTIC KIDNEY DISEASE 1 WITH OR WITHOUT POLYCYSTIC LIVER DISEASE. Identifiers: MedGen C3149841, MONDO:0008263, OMIM 173900.
Polycystic kidney disease 2 (PKD2). Also called: Polycystic Kidney Disease 2, Autosomal Dominant; POLYCYSTIC KIDNEY DISEASE, ADULT, TYPE II; POLYCYSTIC KIDNEY DISEASE 2 WITH OR WITHOUT POLYCYSTIC LIVER DISEASE. Identifiers: MedGen C2751306, MONDO:0013131, OMIM 613095.

Allele frequency attached by ClinVar (database versions not stated): gnomAD exomes below 0.00001 and 0.00001.
gnomAD v4.1: 2 of 1,492,608 alleles (0.00013%); highest among the groups gnomAD compares: Non-Finnish European, 0.00018%; no homozygotes.

Submissions 1 to 11 of 14:

PreventionGenetics, part of Exact Sciences
Classification: Pathogenic for PKD1-related condition. Last evaluated: 2026-03-17. Review status: criteria provided, single submitter. Criteria: ACMG Guidelines, 2015. Collection method: clinical testing. Allele origin: germline.
Comment: The PKD1 c.9202-16G>A variant is predicted to interfere with splicing. This variant has been reported to be causative for autosomal dominant polycystic kidney disease (ADPKD) likely due to exon 26 skipping (see for example, reported as IVS25 16G-A in Rossetti et al. 2001. PubMed ID: 11115377; Supplementary Table 2, Domingo-Gallego et al. 2022. PubMed ID: 33532864). This variant is reported in 0.0019% of alleles in individuals of European (Non-Finnish) descent in gnomAD. This variant is interpreted as pathogenic.

3billion
Classification: Likely pathogenic for Polycystic kidney disease, adult type. Last evaluated: 2025-12-15. Review status: criteria provided, single submitter. Criteria: ACMG Guidelines, 2015. Collection method: clinical testing. Allele origin: germline. Affected: yes.
Comment: The variant is observed at an extremely low frequency in the gnomAD v4.1.0 dataset (total allele frequency: <0.001%). Predicted Consequence/Location: Intron variant In silico tools predict the variant to alter splicing and produce an abnormal transcript [SpliceAI: 0.68 (>=0.2, moderate evidence for spliceogenicity)]. The variant has been reported at least twice as pathogenic with clinical assertions and evidence for the classification (ClinVar ID: VCV000930406 /PMID: 11115377). Therefore, this variant is classified as Likely pathogenic according to the recommendation of ACMG/AMP guideline.

Institute of Medical Genetics and Applied Genomics, University Hospital Tübingen
Classification: Likely pathogenic for Polycystic kidney disease, adult type. Last evaluated: 2025-06-10. Review status: criteria provided, single submitter. Criteria: ACMG Guidelines, 2015. Collection method: clinical testing. Allele origin: germline. Inheritance: Autosomal dominant inheritance. Affected: yes.

GeneDx
Classification: Pathogenic. Last evaluated: 2025-04-22. Review status: criteria provided, single submitter. Criteria: GeneDx Variant Classification Process June 2021. Collection method: clinical testing. Allele origin: germline.
Comment: Non-canonical splice site variant demonstrated to result in loss of function (PMID: 24611717); Not observed at significant frequency in large population cohorts (gnomAD); In silico analysis supports a deleterious effect on splicing; This variant is associated with the following publications: (PMID: 19158373, 33532864, 24611717, 11115377, 35325889, 38541974, 36186434)

Women's Health and Genetics/Laboratory Corporation of America, LabCorp
Classification: Likely pathogenic for Polycystic kidney disease, adult type. Last evaluated: 2025-03-24. Review status: criteria provided, single submitter. Criteria: LabCorp Variant Classification Summary - May 2015. Collection method: clinical testing. Allele origin: germline.
Comment: Variant summary: PKD1 c.9202-16G>A alters a non-conserved nucleotide located at a position not widely known to affect splicing. Several computational tools predict a significant impact on normal splicing: Two predict the variant weakens a the canonical 3' acceptor site, whereas two predict the variant has no significant impact on splicing at this site. Additionally, two tools also predict the variant creates a cryptic 3' acceptor site. At-least three publications report experimental evidence that this variant affects mRNA splicing. In one study, abnormal splicing was demonstrated via a minigene splicing assay in which HEK293 cells were transfected with an individuals DNA carrying the variant and disappearance of a normal band was observed in the PCR products analyzed via agarose gel electrophoresis (example: Kurashige_2015). Two other functional studies showed that the variant caused aberrant splicing leading to exon 26 skipping (example: Rossetti_2001, Wang_2009). The variant allele was found at a frequency of 6.9e-06 in 145322 control chromosomes. c.9202-16G>A has been reported in the literature in heterozygous individuals affected with chronic kidney disease and Polycystic Kidney Disease 1 (example: Rossetti_ 2001, Kurashige_2015, Heyer_2016, Bullich_2018, Yan_2022, Bleyer_2022). For most of these cases, definitive causality was not established; however, segregation was established in at-least one case of Polycystic Kidney Disease 1 (example: Domingo-Gallego_2022). The following publications have been ascertained in the context of this evaluation (PMID: 35325889, 29801666, 33532864, 26823553, 24611717, 11115377, 36186434, 38541974, 19158373). ClinVar contains an entry for this variant (Variation ID: 930406). Based on the evidence outlined above, the variant was classified as likely pathogenic.

Victorian Clinical Genetics Services, Murdoch Childrens Research Institute
Classification: Pathogenic for Polycystic kidney disease, adult type. Last evaluated: 2025-02-24. Review status: criteria provided, single submitter. Criteria: ACMG Guidelines, 2015. Collection method: clinical testing. Allele origin: germline. Affected: yes.
Comment: This variant is classified as Pathogenic. Evidence in support of pathogenic classification: Splice site variant proven to affect splicing of the transcript with a known effect on protein sequence. This variant has been shown to cause aberrant splicing (PMID: 24611717) resulting in exon 26 skipping (PMIDs: 11115377, 19158373), is predicted to cause nonsense-mediated decay (NMD) and loss of protein (premature termination codon is located at least 54 nucleotides upstream of the final exon-exon junction); Variant is present in gnomAD (v2) <0.001 for a dominant condition (1 heterozygote, 0 homozygotes); This variant has strong previous evidence of pathogenicity in unrelated individuals. It has been reported in multiple individuals with autosomal dominant polycystic kidney disease (ClinVar, PKD database, PMIDs: 11115377, 19158373, 33532864, 24611717); Other variants predicted to cause NMD comparable to the one identified in this case have very strong previous evidence for pathogenicity (DECIPHER). Additional information: This variant is heterozygous; This gene is associated with autosomal dominant disease. Polycystic kidney disease 1 (MIM#173900) is predominantly caused by monoallelic variants, with rare reports of biallelic variants causing disease (OMIM); Loss of function is a known mechanism of disease in this gene and is associated with polycystic kidney disease 1 (MIM#173900); Inheritance information for this variant is not currently available in this individual.

Blueprint Genetics
Classification: Pathogenic for PKD1-related disorders. Last evaluated: 2024-08-22. Review status: criteria provided, single submitter. Criteria: ACMG Guidelines, 2015. Collection method: clinical testing. Allele origin: germline. Affected: yes. Observed: 2 variant alleles.

Molecular Genetics, Royal Melbourne Hospital
Classification: Likely pathogenic for Autosomal dominant polycystic kidney disease. Last evaluated: 2024-05-02. Review status: criteria provided, single submitter. Criteria: ACMG Guidelines, 2015. Collection method: clinical testing. Allele origin: germline. Inheritance: Autosomal dominant inheritance. Affected: yes.
Comment: This sequence change in PKD1 is an intronic variant located in intron 25. The highest population minor allele frequency in the population database gnomAD v4.1 is 0.0002% (2/1,019,240 alleles) in the European (non-Finnish) population, which is consistent with polycystic kidney disease. This variant has been reported in individuals with phenotypes consistent with autosomal dominant polycystic kidney disease and cosegregates with disease in at least one family (PMID: 11115377, 24611717, 26453610, 27499327, 29801666, 33532864, 38541974). An in silico splicing predictor (SpliceAI) indicates that this variant may impact splicing by creating a de novo acceptor splice site in intron 25 of PKD1. Splicing assays with limited validation suggest that this variant impacts splicing, but further assays are required to confirm the splice effect (PMID: 11115377, 24611717). Based on the classification scheme RMH Modified ACMG/AMP Guidelines v1.6.1, this variant is classified as LIKELY PATHOGENIC. Following criteria are met: PS4_Moderate, PP1_Moderate, PM2_Supporting, PP3.

Fulgent Genetics
Classification: Likely pathogenic for Polycystic kidney disease, adult type. Last evaluated: 2024-02-21. Review status: criteria provided, single submitter. Criteria: ACMG Guidelines, 2015. Collection method: clinical testing. Allele origin: germline.

Department of Pathology and Laboratory Medicine, Sinai Health System
Classification: Likely pathogenic for autosomal dominant polycystic kidney disease. Last evaluated: 2024-01-22. Review status: criteria provided, single submitter. Criteria: ACMG Guidelines, 2015. Collection method: clinical testing. Allele origin: germline. Affected: no.

Molecular Biology Laboratory, Fundació Puigvert
Classification: Likely pathogenic for Polycystic kidney disease, adult type. Last evaluated: 2020-02-01. Review status: criteria provided, single submitter. Criteria: ACMG Guidelines, 2015. Collection method: research. Allele origin: paternal. Affected: yes. Study: KidneyPanel_2020.